The following is an entry in ClinVar:

ClinVar aggregate classification (germline): Uncertain significance. Review status: criteria provided, multiple submitters, no conflicts (2 of 4 stars). 2 submissions from 2 submitters: Uncertain significance (2). Last evaluated 2025-07-27.

Submissions (2):

Labcorp Genetics (formerly Invitae), Labcorp
Classification: Uncertain significance. Last evaluated: 2025-07-27. Review status: criteria provided, single submitter. Criteria: Invitae Variant Classification Sherloc (09022015). Collection method: clinical testing. Allele origin: germline.
Comment: This sequence change replaces proline, which is neutral and non-polar, with histidine, which is basic and polar, at codon 713 of the PHEX protein (p.Pro713His). This variant is not present in population databases (gnomAD no frequency). This variant has not been reported in the literature in individuals affected with PHEX-related conditions. Invitae Evidence Modeling of protein sequence and biophysical properties (such as structural, functional, and spatial information, amino acid conservation, physicochemical variation, residue mobility, and thermodynamic stability) indicates that this missense variant is expected to disrupt PHEX protein function with a positive predictive value of 80%. In summary, the available evidence is currently insufficient to determine the role of this variant in disease. Therefore, it has been classified as a Variant of Uncertain Significance.

Blueprint Genetics
Classification: Uncertain significance. Last evaluated: 2021-12-21. Review status: criteria provided, single submitter. Criteria: ACMG Guidelines, 2015. Collection method: clinical testing. Allele origin: germline.

NM_000444.6(PHEX):c.2138C>A (p.Pro713His)

Genes: PHEX (phosphate regulating endopeptidase X-linked; plus strand), PTCHD1-AS (PTCHD1 and PHEX antisense RNA; minus strand). Cytogenetic location: Xp22.11.
Variant type: single nucleotide variant.
Coding change: c.2138C>A on transcript NM_000444.6 (MANE Select); coding-DNA position 2138, C replaced by A.
Protein change: p.Pro713His; replaces proline 713 with histidine.
Molecular consequence: missense variant. On other transcripts: intron variant (1).
Genome position (GRCh38, 1-based): chrX:22,245,400, C>A. VCF-style: chrX-22245400-C-A. GRCh37 (hg19) VCF-style: chrX-22263517-C-A.
Other names: c.2071-2451C>A (NM_001282754.2); short protein forms P713H.
Identifiers: ClinVar variation 4766162 (VCV004766162.2).